The following is an entry in ClinVar:

NM_004667.6(HERC2):c.8036T>C (p.Ile2679Thr)

Gene: HERC2 (HECT and RLD domain containing E3 ubiquitin protein ligase 2; minus strand). Cytogenetic location: 15q13.1.
Variant type: single nucleotide variant.
Coding change: c.8036T>C on transcript NM_004667.6 (MANE Select); coding-DNA position 8036, T replaced by C.
Protein change: p.Ile2679Thr; replaces isoleucine 2679 with threonine.
Molecular consequence: missense variant.
Genome position (GRCh38, 1-based): chr15:28,196,545, A>G on the plus strand (T>C on the coding strand, the complement: HERC2 is on the minus strand). VCF-style: chr15-28196545-A-G. GRCh37 (hg19) VCF-style: chr15-28441691-A-G.
Other names: c.8036T>C (NM_004667.5); short protein forms I2679T.
Identifiers: ClinVar variation 2403638 (VCV002403638.3), dbSNP rs143746586, ClinGen allele CA7441586.

ClinVar aggregate classification (germline): Uncertain significance. Review status: criteria provided, multiple submitters, no conflicts (2 of 4 stars). 2 submissions from 2 submitters: Uncertain significance (2). Last evaluated 2025-03-06.

Conditions:
Inborn genetic diseases. Identifiers: MedGen C0950123, MeSH D030342.

Allele frequency attached by ClinVar (database versions not stated): gnomAD exomes 0.00002; gnomAD 0.00003; ExAC 0.00004; TOPMed 0.00004; ESP Exome Variant Server 0.00008.
gnomAD v4.1: 33 of 1,612,366 alleles (0.002%); highest among the groups gnomAD compares: East Asian, 0.016%; no homozygotes.

Submissions (2):

GeneDx
Classification: Uncertain significance. Last evaluated: 2025-03-06. Review status: criteria provided, single submitter. Criteria: GeneDx Variant Classification Process June 2021. Collection method: clinical testing. Allele origin: germline. Affected: yes.
Comment: In silico analysis supports that this missense variant has a deleterious effect on protein structure/function; Has not been previously published as pathogenic or benign to our knowledge

Ambry Genetics
Classification: Uncertain significance for Inborn genetic diseases. Last evaluated: 2022-09-29. Review status: criteria provided, single submitter. Criteria: Ambry Variant Classification Scheme 2023. Collection method: clinical testing. Allele origin: germline.